The following is an entry in ClinVar:

ClinVar aggregate classification (germline): Likely benign (1 of 4 stars; one submission).

Allele frequency attached by ClinVar (database versions not stated): gnomAD 0.01353; TOPMed 0.01435; 1000 Genomes Project 0.01677; 1000 Genomes Project 30x 0.01718.
gnomAD v4.1: 2,704 of 774,282 alleles (0.35%); highest among the groups gnomAD compares: African/African-American, 4.8%; 56 homozygotes.

Submission:

GeneDx
Classification: Likely benign. Last evaluated: 2021-08-18. Review status: criteria provided, single submitter. Criteria: GeneDx Variant Classification Process June 2021. Collection method: clinical testing. Allele origin: germline. Affected: yes.
Comment: See Variant Classification Assertion Criteria.

NM_152419.3(HGSNAT):c.118+69C>T

Genes: HGSNAT (heparan-alpha-glucosaminide N-acetyltransferase; plus strand), LOC130000316 (ATAC-STARR-seq lymphoblastoid silent region 19164; plus strand). Cytogenetic location: 8p11.21.
Variant type: single nucleotide variant.
Coding change: c.118+69C>T on transcript NM_152419.3 (MANE Select); 69 bases into the intron after coding-DNA position 118, C replaced by T.
Molecular consequence: intron variant.
Genome position (GRCh38, 1-based): chr8:43,140,683, C>T. VCF-style: chr8-43140683-C-T. GRCh37 (hg19) VCF-style: chr8-42995826-C-T.
Other names: c.118+69C>T (NM_001363227.2, NM_001363228.2); c.-716+69C>T (NM_001363229.2).
Identifiers: ClinVar variation 1706718 (VCV001706718.2), dbSNP rs577261388, ClinGen allele CA176096173.